The following is an entry in ClinVar:

ClinVar aggregate classification (germline): Pathogenic (1 of 4 stars; one submission).

Conditions:
Mendelian susceptibility to mycobacterial diseases due to complete IL12RB1 deficiency. Also called: Immunodeficiency 30; IL12RB1 DEFICIENCY. Identifiers: Orphanet 319552, MedGen C4013949, MONDO:0013955, OMIM 614891.

Submission:

Pele Pequeno Principe Research Institute, Faculdades Pequeno Principe
Classification: Pathogenic for Mendelian susceptibility to mycobacterial diseases due to complete IL12RB1 deficiency. Last evaluated: 2025-12-01. Review status: criteria provided, single submitter. Criteria: ACMG Guidelines, 2015. Collection method: research. Allele origin: germline. Inheritance: Autosomal recessive inheritance. Affected: yes. Observed: 1 homozygote.
Comment: The IL12RB1:c.409+1G>A (GRCh38 - chr19:18080831 C>T) variant consists of a single-nucleotide substitution of guanine (G) to a adenine (A), which is located in the splice donor site of the intron 4. It is expected to disrupt RNA splicing. It is a null variant located in a gene where loss of function (LOF) is a known mechanism of disease (PVS1) (PMID: 9603733, 12591909). According to the Genome Aggregation Database (gnomAD), this variant is absent from population datasets (PM2). The patient phenotype included BGCitis and disseminated mycobacterial infection, that is highly specific for a disease with a single genetic etiology (Defect on IL12-IFNy axis) (PP4). Based on the collective evidence, the c.409+1G>A variant is classified as pathogenic for IL12RB1 deficiency.

Literature cited by the submitters: PubMed 9603733; PubMed 12591909.

NM_005535.3(IL12RB1):c.409+1G>A

Gene: IL12RB1 (interleukin 12 receptor subunit beta 1; minus strand). Cytogenetic location: 19p13.11.
Variant type: single nucleotide variant.
Coding change: c.409+1G>A on transcript NM_005535.3 (MANE Select); the canonical splice donor site of the intron after coding-DNA position 409, G replaced by A.
Molecular consequence: splice donor variant.
Genome position (GRCh38, 1-based): chr19:18,080,831, C>T on the plus strand (G>A on the coding strand, the complement: IL12RB1 is on the minus strand). VCF-style: chr19-18080831-C-T. GRCh37 (hg19) VCF-style: chr19-18191641-C-T.
Other names: c.529+1G>A (NM_001290024.2, NM_001440427.1, NM_001440426.1); c.409+1G>A (NM_001290023.2, NM_001440425.1, NM_001440424.1 and 1 more transcripts).
Identifiers: ClinVar variation 4536613 (VCV004536613.1).